The following is an entry in ClinVar:

NM_002302.3(LECT2):c.172A>G (p.Ile58Val)

Gene: LECT2 (leukocyte cell derived chemotaxin 2; minus strand). Cytogenetic location: 5q31.1.
Variant type: single nucleotide variant.
Coding change: c.172A>G on transcript NM_002302.3 (MANE Select); coding-DNA position 172, A replaced by G.
Protein change: p.Ile58Val; replaces isoleucine 58 with valine.
Molecular consequence: missense variant.
Genome position (GRCh38, 1-based): chr5:135,951,340, T>C on the plus strand (A>G on the coding strand, the complement: LECT2 is on the minus strand). VCF-style: chr5-135951340-T-C. GRCh37 (hg19) VCF-style: chr5-135287029-T-C.
Other names: short protein forms I58V.
Identifiers: ClinVar variation 3060729 (VCV003060729.2), dbSNP rs31517, ClinGen allele CA3419817.
Genomic context (GRCh38, chr5:135,951,340, plus strand): 5'-CCTGGCCCACAATCATTCCAGTGAATGGTGCGTACACAGTAGATCCAGCAGAGCACAAGA[T>C]GTCCACACCCTGGTGAGGCCTCTGACTTCTAGGATGTAAATAAGAACGAACAGACTGAGG-3'
Protein context (NP_002293.2, residues 48-68): RSQRPHQGVD[Ile58Val]LCSAGSTVYA

ClinVar aggregate classification (germline): Benign (0 of 4 stars; one submission).

Conditions:
LECT2-related disorder. Also called: LECT2-related condition.

Allele frequency attached by ClinVar (database versions not stated): TOPMed 0.61428; ESP Exome Variant Server 0.61679; gnomAD 0.61845; gnomAD exomes 0.63114; 1000 Genomes Project 30x 0.63413; 1000 Genomes Project 0.63638; ExAC 0.64451.
gnomAD v4.1: 1,015,409 of 1,612,554 alleles (63%); highest among the groups gnomAD compares: Admixed American, 69%; 320,989 homozygotes.

Submission:

PreventionGenetics, part of Exact Sciences
Classification: Benign for LECT2-related condition. Last evaluated: 2019-10-17. Review status: no assertion criteria provided. Collection method: clinical testing. Allele origin: germline.
Comment: This variant is classified as benign based on ACMG/AMP sequence variant interpretation guidelines (Richards et al. 2015 PMID: 25741868, with internal and published modifications).